The following is an entry in ClinVar:

NM_004104.5(FASN):c.1327C>T (p.Arg443Trp)

Gene: FASN (fatty acid synthase; minus strand). Cytogenetic location: 17q25.3.
Variant type: single nucleotide variant.
Coding change: c.1327C>T on transcript NM_004104.5 (MANE Select); coding-DNA position 1327, C replaced by T.
Protein change: p.Arg443Trp; replaces arginine 443 with tryptophan.
Molecular consequence: missense variant.
Genome position (GRCh38, 1-based): chr17:82,091,387, G>A on the plus strand (C>T on the coding strand, the complement: FASN is on the minus strand). VCF-style: chr17-82091387-G-A. GRCh37 (hg19) VCF-style: chr17-80049263-G-A.
Other names: short protein forms R443W.
Identifiers: ClinVar variation 847900 (VCV000847900.9), dbSNP rs761357571, ClinGen allele CA8853195.
Genomic context (GRCh38, chr17:82,091,387, plus strand): 5'-TGGCGGGGACAGCCGCGATGTCGTTCAGCATGCTCAGGAAAGCCAGGTCCTGGCTGTGCC[G>A]GAGGCCCTGCTCCAGCAGCTTCTGCACGGCCTCAGGGGTGCGTCCGCTGGCCCGCAGCAG-3'
Protein context (NP_004095.4, residues 433-453): AVQKLLEQGL[Arg443Trp]HSQDLAFLSM

ClinVar aggregate classification (germline): Uncertain significance (1 of 4 stars; one submission).

Conditions:
Epileptic encephalopathy. Identifiers: MedGen C0543888, HP:0200134.

Allele frequency attached by ClinVar (database versions not stated): gnomAD 0.00002 and 0.00003; gnomAD exomes 0.00002 and 0.00004; TOPMed 0.00006; ExAC 0.00001.
gnomAD v4.1: 56 of 1,610,634 alleles (0.0035%); highest among the groups gnomAD compares: Admixed American, 0.0067%; no homozygotes.

Submission:

Labcorp Genetics (formerly Invitae), Labcorp
Classification: Uncertain significance for Epileptic encephalopathy. Last evaluated: 2024-03-30. Review status: criteria provided, single submitter. Criteria: Invitae Variant Classification Sherloc (09022015). Collection method: clinical testing. Allele origin: germline.
Comment: This sequence change replaces arginine, which is basic and polar, with tryptophan, which is neutral and slightly polar, at codon 443 of the FASN protein (p.Arg443Trp). The frequency data for this variant in the population databases is considered unreliable, as metrics indicate poor data quality at this position in the gnomAD database. This variant has not been reported in the literature in individuals affected with FASN-related conditions. ClinVar contains an entry for this variant (Variation ID: 847900). An algorithm developed to predict the effect of missense changes on protein structure and function (PolyPhen-2) suggests that this variant is likely to be tolerated. In summary, the available evidence is currently insufficient to determine the role of this variant in disease. Therefore, it has been classified as a Variant of Uncertain Significance.